The following is an entry in ClinVar:

NM_001256071.3(RNF213):c.4487G>A (p.Trp1496Ter)

Gene: RNF213 (ring finger protein 213; plus strand). Cytogenetic location: 17q25.3.
Variant type: single nucleotide variant.
Coding change: c.4487G>A on transcript NM_001256071.3 (MANE Select); coding-DNA position 4487, G replaced by A.
Protein change: p.Trp1496Ter; replaces tryptophan 1496 with a stop codon.
Molecular consequence: nonsense.
Genome position (GRCh38, 1-based): chr17:80,336,338, G>A. VCF-style: chr17-80336338-G-A. GRCh37 (hg19) VCF-style: chr17-78310138-G-A.
Other names: c.4634G>A, p.Trp1545Ter (NM_001410195.1, NM_020914.5); short protein forms W1545*, W1496*.
Identifiers: ClinVar variation 5005854 (VCV005005854.2).

ClinVar aggregate classification (germline): Uncertain significance (1 of 4 stars; one submission).

Conditions:
Moyamoya disease 2 (MYMY2). Also called: MOYAMOYA DISEASE 2, SUSCEPTIBILITY TO. Identifiers: Orphanet 2573, MedGen C1846689, MONDO:0011784, OMIM 607151.

Submission:

Juno Genomics, Hangzhou Juno Genomics, Inc
Classification: Uncertain significance for Moyamoya disease 2. Review status: criteria provided, single submitter. Criteria: ACMG Guidelines, 2015. Collection method: clinical testing. Allele origin: germline.
Comment: Absent from controls (or at extremely low frequency if recessive) in Genome Aggregation Database.